The following is an entry in ClinVar:

NM_030930.4(UNC93B1):c.1633_1634delinsTT (p.Asp545Phe)

Gene: UNC93B1 (unc-93B1 regulator of TLR signaling; minus strand). Cytogenetic location: 11q13.2.
Variant type: Indel.
Coding change: c.1633_1634delinsTT on transcript NM_030930.4 (MANE Select); coding-DNA positions 1633 to 1634, GA replaced by TT.
Protein change: p.Asp545Phe; replaces aspartic acid 545 with phenylalanine.
Molecular consequence: missense variant.
Genome position (GRCh38, 1-based): chr11:67,991,706-67,991,707, TC replaced by AA on the plus strand (GA replaced by TT on the coding strand, the reverse complement: UNC93B1 is on the minus strand). VCF-style: chr11-67991706-TC-AA. GRCh37 (hg19) VCF-style: chr11-67759177-TC-AA.
Other names: short protein forms D545F.
Identifiers: ClinVar variation 860382 (VCV000860382.5), dbSNP rs1856845788, ClinGen allele CA916080427.

ClinVar aggregate classification (germline): Uncertain significance (1 of 4 stars; one submission).

Conditions:
Encephalopathy, acute, infection-induced (herpes-specific), susceptibility to, 1. Also called: Herpes simplex encephalitis, susceptibility to, 1. Identifiers: Orphanet 1930, MedGen C2750180, MONDO:0024563, OMIM 610551.

Submission:

Labcorp Genetics (formerly Invitae), Labcorp
Classification: Uncertain significance for Encephalopathy, acute, infection-induced (herpes-specific), susceptibility to, 1. Last evaluated: 2022-08-19. Review status: criteria provided, single submitter. Criteria: Invitae Variant Classification Sherloc (09022015). Collection method: clinical testing. Allele origin: germline.
Comment: This sequence change replaces aspartic acid, which is acidic and polar, with phenylalanine, which is neutral and non-polar, at codon 545 of the UNC93B1 protein (p.Asp545Phe). The frequency data for this variant in the population databases is considered unreliable, as metrics indicate poor data quality at this position in the gnomAD database. This variant has not been reported in the literature in individuals affected with UNC93B1-related conditions. ClinVar contains an entry for this variant (Variation ID: 860382). In summary, the available evidence is currently insufficient to determine the role of this variant in disease. Therefore, it has been classified as a Variant of Uncertain Significance.